The following is an entry in ClinVar:

ClinVar aggregate classification (germline): Uncertain significance (1 of 4 stars; one submission).

Allele frequency attached by ClinVar (database versions not stated): gnomAD 0.00001; ESP Exome Variant Server 0.00008; TOPMed below 0.00001; ExAC 0.00003.

Submission:

Labcorp Genetics (formerly Invitae), Labcorp
Classification: Uncertain significance. Last evaluated: 2022-03-10. Review status: criteria provided, single submitter. Criteria: Invitae Variant Classification Sherloc (09022015). Collection method: clinical testing. Allele origin: germline.
Comment: In summary, the available evidence is currently insufficient to determine the role of this variant in disease. Therefore, it has been classified as a Variant of Uncertain Significance. Algorithms developed to predict the effect of missense changes on protein structure and function (SIFT, PolyPhen-2, Align-GVGD) all suggest that this variant is likely to be tolerated. This variant has not been reported in the literature in individuals affected with EPHB4-related conditions. The frequency data for this variant in the population databases is considered unreliable, as metrics indicate poor data quality at this position in the gnomAD database. This sequence change replaces alanine, which is neutral and non-polar, with serine, which is neutral and polar, at codon 10 of the EPHB4 protein (p.Ala10Ser).

NM_004444.5(EPHB4):c.28G>T (p.Ala10Ser)

Genes: EPHB4 (EPH receptor B4; minus strand), SLC12A9 (solute carrier family 12 member 9; plus strand). Cytogenetic location: 7q22.1.
Variant type: single nucleotide variant.
Coding change: c.28G>T on transcript NM_004444.5 (MANE Select); coding-DNA position 28, G replaced by T.
Protein change: p.Ala10Ser; replaces alanine 10 with serine.
Molecular consequence: missense variant. On other transcripts: 5 prime UTR variant (1).
Genome position (GRCh38, 1-based): chr7:100,827,003, C>A on the plus strand (G>T on the coding strand, the complement: EPHB4 is on the minus strand). VCF-style: chr7-100827003-C-A. GRCh37 (hg19) VCF-style: chr7-100424625-C-A.
Other names: c.-26C>A (NM_001363494.1); short protein forms A10S.
Identifiers: ClinVar variation 1976278 (VCV001976278.5), dbSNP rs373130748, ClinGen allele CA4393488.
Genomic context (GRCh38, chr7:100,827,003, plus strand): 5'-GTGACGGGGTGCGCCCCCCCCCGCAAGGAAACTCACCTTCCAAAGCTGCGGCCAACGAAG[C>A]CCAGCAGAGCAGCACCCGGAGCTCCATGGCGCCGCCTCACTCGGGTAGGATCCGAACTGA-3'
Protein context (NP_004435.3, residues 1-20): MELRVLLCW[Ala10Ser]SLAAALEETL